The following is an entry in ClinVar:

ClinVar aggregate classification (germline): Likely pathogenic (1 of 4 stars; one submission).

Conditions:
Dilated cardiomyopathy 1G (CMD1G). Identifiers: Orphanet 154, MedGen C1858763, MONDO:0011400, OMIM 604145.

Submission:

Victorian Clinical Genetics Services, Murdoch Childrens Research Institute
Classification: Likely pathogenic for Dilated cardiomyopathy 1G. Last evaluated: 2025-08-29. Review status: criteria provided, single submitter. Criteria: ACMG Guidelines, 2015. Collection method: clinical testing. Allele origin: germline. Affected: yes.
Comment: This variant is classified as Likely pathogenic. Evidence in support of pathogenic classification: Variant is predicted to cause nonsense-mediated decay (NMD) and loss of protein (premature termination codon is located at least 54 nucleotides upstream of the final exon-exon junction); Variant is absent from gnomAD (v2, v3 and v4); Other NMD-predicted variants comparable to the one identified in this case have strong previous evidence for pathogenicity (ClinVar). Additional information: This variant is heterozygous; This gene is associated with both recessive and dominant disease (OMIM); This variant has no previous evidence of pathogenicity; No published evidence of segregation with disease has been identified for this variant; No published functional evidence has been identified for this variant; Variant is located in the annotated A-band and the exon has a PSI score of 100% (PMID: 25589632); Loss of function is a known mechanism of disease in this gene. In addition, dominant negative is also a suggested mechanism. (PMID: 25589632); The condition associated with this gene has incomplete penetrance. Variants in this gene that result in a premature termination codon (PTC) are known to have reduced penetrance in DCM (PMID: 25589632); Inheritance information for this variant is not currently available in this individual.

Literature cited by the submitters: PubMed 25589632.

NM_001267550.2(TTN):c.78389del (p.Leu26130fs)

Genes: TTN-AS1 (TTN antisense RNA 1; plus strand), TTN (titin; minus strand). Cytogenetic location: 2q31.2.
Variant type: Deletion.
Coding change: c.78389del on transcript NM_001267550.2 (MANE Select); coding-DNA position 78389, one base deleted (T; older notation c.78389delT).
Protein change: p.Leu26130fs; shifts the reading frame from leucine 26130.
Molecular consequence: frameshift variant.
Genome position (GRCh38, 1-based): chr2:178,567,743, A deleted on the plus strand (T on the coding strand, the reverse complement: TTN is on the minus strand); the first of 3 consecutive A bases (chr2:178,567,743-178,567,745); deleting any one gives the same sequence. VCF-style (leftmost placement, unchanged base first): chr2-178567742-CA-C. GRCh37 (hg19) VCF-style: chr2-179432469-CA-C.
Other names: c.73466del, p.Leu24489fs (NM_001256850.1); c.51194del, p.Leu17065fs (NM_003319.4); c.70685del, p.Leu23562fs (NM_133378.4); c.51569del, p.Leu17190fs (NM_133432.3); c.51770del, p.Leu17257fs (NM_133437.4); short protein forms L17065fs, L17190fs, L17257fs, L23562fs, L24489fs, L26130fs.
Identifiers: ClinVar variation 4531791 (VCV004531791.1).
Genomic context (GRCh38, chr2:178,567,742, plus strand): 5'-CACAGTAAATTGAGTTTCAATGACATTTGTAAAGCTAGCTTTCATCCAACGACCATCAGG[CA>C]AATCACGTTTCTCTACAATGTAGCCTGTAATCATACTTCCACCATCATACACAGGTTTGG-3'